The following is an entry in ClinVar:

ClinVar aggregate classification (germline): Uncertain significance. Review status: criteria provided, multiple submitters, no conflicts (2 of 4 stars). 2 submissions from 2 submitters: Uncertain significance (2). Last evaluated 2022-05-03.

Conditions:
X-linked Alport syndrome (ATS1). Also called: NEPHROPATHY AND DEAFNESS, X-LINKED; COL4A5-Related Nephropathy. Identifiers: Orphanet 63, Orphanet 88917, MedGen C4746986, MONDO:0010520, OMIM 301050.

Submissions (2):

Labcorp Genetics (formerly Invitae), Labcorp
Classification: Uncertain significance. Last evaluated: 2022-05-03. Review status: criteria provided, single submitter. Criteria: Invitae Variant Classification Sherloc (09022015). Collection method: clinical testing. Allele origin: germline.
Comment: This sequence change replaces methionine, which is neutral and non-polar, with isoleucine, which is neutral and non-polar, at codon 154 of the COL4A5 protein (p.Met154Ile). This variant is not present in population databases (gnomAD no frequency). This variant has not been reported in the literature in individuals affected with COL4A5-related conditions. ClinVar contains an entry for this variant (Variation ID: 1030829). Advanced modeling of protein sequence and biophysical properties (such as structural, functional, and spatial information, amino acid conservation, physicochemical variation, residue mobility, and thermodynamic stability) performed at Invitae indicates that this missense variant is not expected to disrupt COL4A5 protein function. In summary, the available evidence is currently insufficient to determine the role of this variant in disease. Therefore, it has been classified as a Variant of Uncertain Significance.

Baylor Genetics
Classification: Uncertain significance for X-linked Alport syndrome. Last evaluated: 2019-08-13. Review status: criteria provided, single submitter. Criteria: ACMG Guidelines, 2015. Collection method: clinical testing. Allele origin: unknown. Affected: yes.
Comment: This variant was determined to be of uncertain significance according to ACMG Guidelines, 2015 [PMID:25741868].

NM_033380.3(COL4A5):c.462G>A (p.Met154Ile)

Gene: COL4A5 (collagen type IV alpha 5 chain; plus strand). Cytogenetic location: Xq22.3.
Variant type: single nucleotide variant.
Coding change: c.462G>A on transcript NM_033380.3 (MANE Select); coding-DNA position 462, G replaced by A.
Protein change: p.Met154Ile; replaces methionine 154 with isoleucine.
Molecular consequence: missense variant.
Genome position (GRCh38, 1-based): chrX:108,571,834, G>A. VCF-style: chrX-108571834-G-A. GRCh37 (hg19) VCF-style: chrX-107815064-G-A.
Other names: c.462G>A, p.Met154Ile (NM_000495.5); short protein forms M154I.
Identifiers: ClinVar variation 1030829 (VCV001030829.3), dbSNP rs2066069939, ClinGen allele CA413920545.